The following is an entry in ClinVar:

ClinVar aggregate classification (germline): Uncertain significance (1 of 4 stars; one submission).

Submission:

Labcorp Genetics (formerly Invitae), Labcorp
Classification: Uncertain significance. Last evaluated: 2022-09-27. Review status: criteria provided, single submitter. Criteria: Invitae Variant Classification Sherloc (09022015). Collection method: clinical testing. Allele origin: germline.
Comment: In summary, the available evidence is currently insufficient to determine the role of this variant in disease. Therefore, it has been classified as a Variant of Uncertain Significance. Algorithms developed to predict the effect of sequence changes on RNA splicing suggest that this variant may create or strengthen a splice site. Advanced modeling of protein sequence and biophysical properties (such as structural, functional, and spatial information, amino acid conservation, physicochemical variation, residue mobility, and thermodynamic stability) performed at Invitae indicates that this missense variant is not expected to disrupt LRP2 protein function. This variant has not been reported in the literature in individuals affected with LRP2-related conditions. This variant is not present in population databases (gnomAD no frequency). This sequence change replaces glutamic acid, which is acidic and polar, with glycine, which is neutral and non-polar, at codon 3917 of the LRP2 protein (p.Glu3917Gly).

NM_004525.3(LRP2):c.11750A>G (p.Glu3917Gly)

Gene: LRP2 (LDL receptor related protein 2; minus strand). Cytogenetic location: 2q31.1.
Variant type: single nucleotide variant.
Coding change: c.11750A>G on transcript NM_004525.3 (MANE Select); coding-DNA position 11750, A replaced by G.
Protein change: p.Glu3917Gly; replaces glutamic acid 3917 with glycine.
Molecular consequence: missense variant.
Genome position (GRCh38, 1-based): chr2:169,165,940, T>C on the plus strand (A>G on the coding strand, the complement: LRP2 is on the minus strand). VCF-style: chr2-169165940-T-C. GRCh37 (hg19) VCF-style: chr2-170022450-T-C.
Other names: short protein forms E3917G.
Identifiers: ClinVar variation 2008338 (VCV002008338.4), dbSNP rs2545706708, ClinGen allele CA349140086.